The following is an entry in ClinVar:

ClinVar aggregate classification (germline): Pathogenic (1 of 4 stars; one submission).

Conditions:
Cardiovascular phenotype. Identifiers: MedGen CN230736.

Allele frequency attached by ClinVar (database versions not stated): gnomAD exomes below 0.00001.

Submission:

Ambry Genetics
Classification: Pathogenic for Cardiovascular phenotype. Last evaluated: 2024-01-17. Review status: criteria provided, single submitter. Criteria: Ambry Variant Classification Scheme 2023. Collection method: clinical testing. Allele origin: germline.
Comment: The c.1768dupT pathogenic mutation, located in coding exon 13 of the ABCA1 gene, results from a duplication of T at nucleotide position 1768, causing a translational frameshift with a predicted alternate stop codon (p.W590Lfs*40). This variant is considered to be rare based on population cohorts in the Genome Aggregation Database (gnomAD). This alteration is expected to result in loss of function by premature protein truncation or nonsense-mediated mRNA decay. As such, this alteration is interpreted as a disease-causing mutation.

NM_005502.4(ABCA1):c.1768dup (p.Trp590fs)

Gene: ABCA1 (ATP binding cassette subfamily A member 1; minus strand). Cytogenetic location: 9q31.1.
Variant type: Duplication.
Coding change: c.1768dup on transcript NM_005502.4 (MANE Select); coding-DNA position 1768, one base duplicated (T; older notation c.1768dupT).
Protein change: p.Trp590fs; shifts the reading frame from tryptophan 590.
Molecular consequence: frameshift variant.
Genome position (GRCh38, 1-based): chr9:104,831,049, A duplicated on the plus strand (T on the coding strand, the reverse complement: ABCA1 is on the minus strand). VCF-style (leftmost placement, unchanged base first): chr9-104831048-C-CA. GRCh37 (hg19) VCF-style: chr9-107593329-C-CA.
Other names: short protein forms W590fs.
Identifiers: ClinVar variation 3224730 (VCV003224730.1), dbSNP rs2538177209, ClinGen allele CA2691053194.